The following is an entry in ClinVar:

ClinVar aggregate classification (germline): Likely pathogenic (1 of 4 stars; one submission).

Conditions:
ALX4-related disorder. Also called: ALX4-related condition.

Submission:

PreventionGenetics, part of Exact Sciences
Classification: Likely pathogenic for ALX4-related condition. Last evaluated: 2026-09-11. Review status: criteria provided, single submitter. Criteria: ACMG Guidelines, 2015. Collection method: clinical testing. Allele origin: germline.
Comment: The ALX4 c.212_227del16 variant is predicted to result in a frameshift and premature protein termination (p.Gln71Profs*105). To our knowledge, this variant has not been reported in the literature or in a large population database (gnomAD), indicating this variant is rare. Frameshift variants in ALX4 are expected to be pathogenic. This variant is interpreted as likely pathogenic.

NM_021926.4(ALX4):c.212_227del (p.Gln71fs)

Gene: ALX4 (ALX homeobox 4; minus strand). Cytogenetic location: 11p11.2.
Variant type: Deletion.
Coding change: c.212_227del on transcript NM_021926.4 (MANE Select); coding-DNA positions 212 to 227, 16 bases deleted (AGGACCTGGCGACACC).
Protein change: p.Gln71fs; shifts the reading frame from glutamine 71.
Molecular consequence: frameshift variant.
Genome position (GRCh38, 1-based): chr11:44,309,836-44,309,851, GGTGTCGCCAGGTCCT deleted on the plus strand (AGGACCTGGCGACACC on the coding strand, the reverse complement: ALX4 is on the minus strand); deleting any 16 consecutive bases within chr11:44,309,836-44,309,852 gives the same sequence; the c. name uses the placement nearest the transcript's 3' end. VCF-style (leftmost placement, unchanged base first): chr11-44309835-GGGTGTCGCCAGGTCCT-G. GRCh37 (hg19) VCF-style: chr11-44331385-GGGTGTCGCCAGGTCCT-G.
Other names: short protein forms Q71fs.
Identifiers: ClinVar variation 4995961 (VCV004995961.1).
Genomic context (GRCh38, chr11:44,309,835, plus strand): 5'-GGTCGACGGCTGGGGCTGGAACTTGTTAAAGGAGCCCCGCGCCCCAGCTCCACTCTCCAG[GGGTGTCGCCAGGTCCT>G]GCTGCCCAGCGCCGTAACGGGCCCGGCTCTTGGCGTCCCCGAATCCCTGTGCTTTGGCGG-3'